The following is an entry in ClinVar:

ClinVar aggregate classification (germline): Pathogenic (1 of 4 stars; one submission).

Conditions:
Fabry disease. Also called: ALPHA-GALACTOSIDASE A DEFICIENCY; ANDERSON-FABRY DISEASE; CERAMIDE TRIHEXOSIDASE DEFICIENCY; GLA DEFICIENCY; HEREDITARY DYSTOPIC LIPIDOSIS; Angiokeratoma corporis diffusum. Identifiers: Orphanet 324, MedGen C0002986, MONDO:0010526, OMIM 301500, HP:0001071. Disease mechanism: Fabry disease is due to inactivating mutations in the X-linked GLA gene resulting in deficiency of the enzyme Alpha Galactosidase-A., loss of function.

Submission:

Genomenon, Inc
Classification: Pathogenic for Fabry disease. Last evaluated: 2026-09-08. Review status: criteria provided, single submitter. Criteria: Genomenon Sequence Variant Interpretation Standards - Updated. Collection method: curation. Allele origin: germline. Affected: yes.
Comment: GLA p.Lys168Ter (c.502A>T) is a nonsense variant that introduces a premature stop codon at amino acid position 168 and is predicted to result in a truncated or absent protein product. This variant has been observed in at least one proband with clinical features consistent with Fabry disease (PMID:36383556). It is absent or not present at a significant frequency in gnomAD. In conclusion, we classify GLA p.Lys168Ter (c.502A>T) as a pathogenic variant.

Literature cited by the submitters: PubMed 36383556.

NM_000169.3(GLA):c.502A>T (p.Lys168Ter)

Genes: GLA (galactosidase alpha; minus strand), RPL36A-HNRNPH2 (RPL36A-HNRNPH2 readthrough; plus strand). Cytogenetic location: Xq22.1.
Variant type: single nucleotide variant.
Coding change: c.502A>T on transcript NM_000169.3 (MANE Select); coding-DNA position 502, A replaced by T.
Protein change: p.Lys168Ter; replaces lysine 168 with a stop codon.
Molecular consequence: nonsense. On other transcripts: non-coding transcript variant (3), intron variant (2).
Genome position (GRCh38, 1-based): chrX:101,401,677, T>A on the plus strand (A>T on the coding strand, the complement: GLA is on the minus strand). VCF-style: chrX-101401677-T-A. GRCh37 (hg19) VCF-style: chrX-100656665-T-A.
Other names: c.625A>T, p.Lys209Ter (NM_001406747.1, NM_001406749.1); c.502A>T, p.Lys168Ter (NM_001406748.1); c.300+6220T>A (NM_001199973.2); c.177+9855T>A (NM_001199974.2); short protein forms K168*, K209*.
Identifiers: ClinVar variation 4087160 (VCV004087160.2).